The following is an entry in ClinVar:

NM_020433.5(JPH2):c.976T>C (p.Tyr326His)

Gene: JPH2 (junctophilin 2; minus strand). Cytogenetic location: 20q13.12.
Variant type: single nucleotide variant.
Coding change: c.976T>C on transcript NM_020433.5 (MANE Select); coding-DNA position 976, T replaced by C.
Protein change: p.Tyr326His; replaces tyrosine 326 with histidine.
Molecular consequence: missense variant.
Genome position (GRCh38, 1-based): chr20:44,159,811, A>G on the plus strand (T>C on the coding strand, the complement: JPH2 is on the minus strand). VCF-style: chr20-44159811-A-G. GRCh37 (hg19) VCF-style: chr20-42788451-A-G.
Other names: short protein forms Y326H.
Identifiers: ClinVar variation 4089442 (VCV004089442.1).

ClinVar aggregate classification (germline): Uncertain significance (1 of 4 stars; one submission).

Conditions:
Cardiovascular phenotype. Identifiers: MedGen CN230736.

gnomAD v4.1: 3 of 1,613,182 alleles (0.00019%); highest among the groups gnomAD compares: Non-Finnish European, 0.00025%; no homozygotes.

Submission:

Ambry Genetics
Classification: Uncertain significance for Cardiovascular phenotype. Last evaluated: 2025-09-07. Review status: criteria provided, single submitter. Criteria: Ambry Variant Classification Scheme 2023. Collection method: clinical testing. Allele origin: germline.
Comment: The p.Y326H variant (also known as c.976T>C), located in coding exon 2 of the JPH2 gene, results from a T to C substitution at nucleotide position 976. The tyrosine at codon 326 is replaced by histidine, an amino acid with similar properties. This amino acid position is conserved. In addition, the in silico prediction for this alteration is inconclusive. Based on the available evidence, the clinical significance of this variant remains unclear.